The following is an entry in ClinVar:

NM_032357.4(CCDC115):c.124_141delinsA (p.Leu42fs)

Gene: CCDC115 (coiled-coil domain containing 115; minus strand). Cytogenetic location: 2q21.1.
Variant type: Indel.
Coding change: c.124_141delinsA on transcript NM_032357.4 (MANE Select); coding-DNA positions 124 to 141, CTCGCCAAGGCTCGCTAC replaced by A.
Protein change: p.Leu42fs; shifts the reading frame from leucine 42.
Molecular consequence: frameshift variant. On other transcripts: non-coding transcript variant (2).
Genome position (GRCh38, 1-based): chr2:130,341,915-130,341,932, GTAGCGAGCCTTGGCGAG replaced by T on the plus strand (CTCGCCAAGGCTCGCTAC replaced by A on the coding strand, the reverse complement: CCDC115 is on the minus strand). VCF-style: chr2-130341915-GTAGCGAGCCTTGGCGAG-T. GRCh37 (hg19) VCF-style: chr2-131099488-GTAGCGAGCCTTGGCGAG-T.
Other names: c.109_126delinsA, p.Leu37fs (NM_001321118.1); c.100_117delinsA, p.Leu34fs (NM_001321119.2); short protein forms L34fs, L37fs, L42fs.
Identifiers: ClinVar variation 1305776 (VCV001305776.2), dbSNP rs2104871304, ClinGen allele CA2573051652.

ClinVar aggregate classification (germline): Uncertain significance (1 of 4 stars; one submission).

Submission:

GeneDx
Classification: Uncertain significance. Last evaluated: 2019-05-03. Review status: criteria provided, single submitter. Criteria: GeneDx Variant Classification Process June 2021. Collection method: clinical testing. Allele origin: germline. Affected: yes.
Comment: Not observed in large population cohorts (Lek et al., 2016); Frameshift variant predicted to result in protein truncation or nonsense mediated decay in a gene for which loss-of-function is not a known mechanism of disease; Has not been previously published as pathogenic or benign to our knowledge